The following is an entry in ClinVar:

NM_006514.4(SCN10A):c.3983A>C (p.Asn1328Thr)

Gene: SCN10A (sodium voltage-gated channel alpha subunit 10; minus strand). Cytogenetic location: 3p22.2.
Variant type: single nucleotide variant.
Coding change: c.3983A>C on transcript NM_006514.4 (MANE Select); coding-DNA position 3983, A replaced by C.
Protein change: p.Asn1328Thr; replaces asparagine 1328 with threonine.
Molecular consequence: missense variant.
Genome position (GRCh38, 1-based): chr3:38,712,267, T>G on the plus strand (A>C on the coding strand, the complement: SCN10A is on the minus strand). VCF-style: chr3-38712267-T-G. GRCh37 (hg19) VCF-style: chr3-38753758-T-G.
Other names: c.3980A>C, p.Asn1327Thr (NM_001293306.2); c.3689A>C, p.Asn1230Thr (NM_001293307.2); short protein forms N1327T, N1328T, N1230T.
Identifiers: ClinVar variation 1509432 (VCV001509432.6), dbSNP rs958426415, ClinGen allele CA352150971.

ClinVar aggregate classification (germline): Uncertain significance (1 of 4 stars; one submission).

Conditions:
Brugada syndrome. Also called: Sudden unexpected nocturnal death syndrome; Sudden Unexplained Death Syndrome; Sudden Unexplained Nocturnal Death Syndrome (SUNDS); Sudden unexplained nocturnal death syndrome. Identifiers: Orphanet 130, MedGen C1142166, MONDO:0015263.

Submission:

Labcorp Genetics (formerly Invitae), Labcorp
Classification: Uncertain significance for Brugada syndrome. Last evaluated: 2024-11-27. Review status: criteria provided, single submitter. Criteria: Invitae Variant Classification Sherloc (09022015). Collection method: clinical testing. Allele origin: germline.
Comment: This sequence change replaces asparagine, which is neutral and polar, with threonine, which is neutral and polar, at codon 1328 of the SCN10A protein (p.Asn1328Thr). This variant is not present in population databases (gnomAD no frequency). This variant has not been reported in the literature in individuals affected with SCN10A-related conditions. ClinVar contains an entry for this variant (Variation ID: 1509432). Invitae Evidence Modeling of protein sequence and biophysical properties (such as structural, functional, and spatial information, amino acid conservation, physicochemical variation, residue mobility, and thermodynamic stability) indicates that this missense variant is not expected to disrupt SCN10A protein function with a negative predictive value of 80%. In summary, the available evidence is currently insufficient to determine the role of this variant in disease. Therefore, it has been classified as a Variant of Uncertain Significance.